The following is an entry in ClinVar:

ClinVar aggregate classification (germline): Uncertain significance. Review status: criteria provided, multiple submitters, no conflicts (2 of 4 stars). 2 submissions from 2 submitters: Uncertain significance (2). Last evaluated 2022-09-19.

Conditions:
Episodic ataxia type 2 (EA2). Also called: ATAXIA, EPISODIC, WITH NYSTAGMUS; ATAXIA, FAMILIAL PAROXYSMAL; CEREBELLAR ATAXIA, PAROXYSMAL, ACETAZOLAMIDE-RESPONSIVE; CEREBELLOPATHY, HEREDITARY PAROXYSMAL; ACETAZOLAMIDE-RESPONSIVE HEREDITARY PAROXYSMAL CEREBELLAR ATAXIA; EPISODIC ATAXIA, NYSTAGMUS-ASSOCIATED. Identifiers: Orphanet 97, MedGen C1720416, MONDO:0007163, OMIM 108500.
Developmental and epileptic encephalopathy, 42 (DEE42A). Also called: DEVELOPMENTAL AND EPILEPTIC ENCEPHALOPATHY 42A; EPILEPTIC ENCEPHALOPATHY, EARLY INFANTILE, 42A; Epileptic encephalopathy, early infantile, 42. Identifiers: MedGen C4310716, MONDO:0014917, OMIM 617106.

Submissions (2):

GeneDx
Classification: Uncertain significance. Last evaluated: 2022-09-19. Review status: criteria provided, single submitter. Criteria: GeneDx Variant Classification Process June 2021. Collection method: clinical testing. Allele origin: germline. Affected: yes.
Comment: Not observed at significant frequency in large population cohorts (gnomAD); In silico analysis supports that this missense variant has a deleterious effect on protein structure/function; Has not been previously published as pathogenic or benign to our knowledge

Labcorp Genetics (formerly Invitae), Labcorp
Classification: Uncertain significance for Developmental and epileptic encephalopathy, 42; Episodic ataxia type 2. Last evaluated: 2022-05-27. Review status: criteria provided, single submitter. Criteria: Invitae Variant Classification Sherloc (09022015). Collection method: clinical testing. Allele origin: germline.
Comment: This variant is not present in population databases (gnomAD no frequency). This variant has not been reported in the literature in individuals affected with CACNA1A-related conditions. Advanced modeling of protein sequence and biophysical properties (such as structural, functional, and spatial information, amino acid conservation, physicochemical variation, residue mobility, and thermodynamic stability) performed at Invitae indicates that this missense variant is not expected to disrupt CACNA1A protein function. In summary, the available evidence is currently insufficient to determine the role of this variant in disease. Therefore, it has been classified as a Variant of Uncertain Significance. This sequence change replaces proline, which is neutral and non-polar, with alanine, which is neutral and non-polar, at codon 1178 of the CACNA1A protein (p.Pro1178Ala).

NM_001127222.2(CACNA1A):c.3529C>G (p.Pro1177Ala)

Gene: CACNA1A (calcium voltage-gated channel subunit alpha1 A; minus strand). Cytogenetic location: 19p13.13.
Variant type: single nucleotide variant.
Coding change: c.3529C>G on transcript NM_001127222.2 (MANE Select); coding-DNA position 3529, C replaced by G.
Protein change: p.Pro1177Ala; replaces proline 1177 with alanine.
Molecular consequence: missense variant.
Genome position (GRCh38, 1-based): chr19:13,286,527, G>C on the plus strand (C>G on the coding strand, the complement: CACNA1A is on the minus strand). VCF-style: chr19-13286527-G-C. GRCh37 (hg19) VCF-style: chr19-13397341-G-C.
Other names: c.3541C>G, p.Pro1181Ala (NM_000068.4, NM_023035.3); c.3532C>G, p.Pro1178Ala (NM_001127221.2, NM_001174080.2); c.3532C>G (NM_001127221.1); short protein forms P1177A, P1178A, P1181A.
Identifiers: ClinVar variation 1503379 (VCV001503379.9), dbSNP rs1057522207, ClinGen allele CA404341185.